The following is an entry in ClinVar:

NM_004360.5(CDH1):c.971G>A (p.Gly324Glu)

Gene: CDH1 (cadherin 1; plus strand). Cytogenetic location: 16q22.1.
Variant type: single nucleotide variant.
Coding change: c.971G>A on transcript NM_004360.5 (MANE Select); coding-DNA position 971, G replaced by A.
Protein change: p.Gly324Glu; replaces glycine 324 with glutamic acid.
Molecular consequence: missense variant. On other transcripts: 5 prime UTR variant (2).
Genome position (GRCh38, 1-based): chr16:68,811,822, G>A. VCF-style: chr16-68811822-G-A. GRCh37 (hg19) VCF-style: chr16-68845725-G-A.
Other names: c.971G>A, p.Gly324Glu (NM_001317184.2); c.-645G>A (NM_001317185.2); c.-849G>A (NM_001317186.2); c.971G>A (LRG_301t1); short protein forms G324E.
Identifiers: ClinVar variation 406672 (VCV000406672.9), dbSNP rs1060501232, ClinGen allele CA16614954.

ClinVar aggregate classification (germline): Uncertain significance (1 of 4 stars; one submission).

Conditions:
Hereditary diffuse gastric adenocarcinoma (HDGC). Also called: DIFFUSE GASTRIC AND LOBULAR BREAST CANCER SYNDROME. Identifiers: Orphanet 26106, MedGen C1708349, MONDO:0007648, OMIM 137215.

Submission:

Labcorp Genetics (formerly Invitae), Labcorp
Classification: Uncertain significance for Hereditary diffuse gastric adenocarcinoma. Last evaluated: 2022-10-17. Review status: criteria provided, single submitter. Criteria: Invitae Variant Classification Sherloc (09022015). Collection method: clinical testing. Allele origin: germline.
Comment: This sequence change replaces glycine, which is neutral and non-polar, with glutamic acid, which is acidic and polar, at codon 324 of the CDH1 protein (p.Gly324Glu). In summary, the available evidence is currently insufficient to determine the role of this variant in disease. Therefore, it has been classified as a Variant of Uncertain Significance. Algorithms developed to predict the effect of missense changes on protein structure and function (SIFT, PolyPhen-2, Align-GVGD) all suggest that this variant is likely to be disruptive. ClinVar contains an entry for this variant (Variation ID: 406672). This variant has not been reported in the literature in individuals affected with CDH1-related conditions. This variant is not present in population databases (gnomAD no frequency).